The following is an entry in ClinVar:

ClinVar aggregate classification (germline): Pathogenic (0 of 4 stars; one submission).

Conditions:
Leukodystrophy, hypomyelinating, 11. Identifiers: Orphanet 88637, MedGen C4225305, MONDO:0014666, OMIM 616494.

Submission:

Lupski Lab, Baylor-Hopkins CMG, Baylor College of Medicine
Classification: Pathogenic for Leukodystrophy, hypomyelinating, 11. Review status: no assertion criteria provided. Collection method: research. Allele origin: germline. Inheritance: Autosomal recessive inheritance. Affected: yes.
Comment: Dual molecular diagnoses involving POLR1C and SCN1B were identified.

NM_203290.4(POLR1C):c.614del (p.Gly205fs)

Gene: POLR1C (RNA polymerase I and III subunit C; plus strand). Cytogenetic location: 6p21.1.
Variant type: Deletion.
Coding change: c.614del on transcript NM_203290.4 (MANE Select); coding-DNA position 614, one base deleted (G; older notation c.614delG).
Protein change: p.Gly205fs; shifts the reading frame from glycine 205.
Molecular consequence: frameshift variant.
Genome position (GRCh38, 1-based): chr6:43,520,386, G deleted; the last of 2 consecutive G bases (chr6:43,520,385-43,520,386); deleting either gives the same sequence. VCF-style (leftmost placement, unchanged base first): chr6-43520384-TG-T. GRCh37 (hg19) VCF-style: chr6-43488122-TG-T.
Other names: c.614del, p.Gly205fs (NM_001318876.2, NM_001363658.2); short protein forms G205fs.
Identifiers: ClinVar variation 375403 (VCV000375403.1), dbSNP rs1057519456, ClinGen allele CA16044224.